The following is an entry in ClinVar:

NM_001830.4(CLCN4):c.1629C>T (p.Thr543=)

Gene: CLCN4 (Cl-/H+ antiporter 4; plus strand). Cytogenetic location: Xp22.2.
Variant type: single nucleotide variant.
Coding change: c.1629C>T on transcript NM_001830.4 (MANE Select); coding-DNA position 1629, C replaced by T.
Protein change: p.Thr543=; no amino-acid change (threonine 543 retained).
Molecular consequence: synonymous variant.
Genome position (GRCh38, 1-based): chrX:10,213,733, C>T. VCF-style: chrX-10213733-C-T. GRCh37 (hg19) VCF-style: chrX-10181773-C-T.
Other names: c.1347C>T, p.Thr449= (NM_001256944.2).
Identifiers: ClinVar variation 1128142 (VCV001128142.34), dbSNP rs765796078, ClinGen allele CA10347282.
Genomic context (GRCh38, chrX:10,213,733, plus strand): 5'-TGTTGCAGGTGGAGTTACCAGGATGACGGTGTCATTGGTGGTCATCATGTTTGAATTAAC[C>T]GGGGGTCTGGAGTACATCGTGCCCCTGATGGCGGCGGCTGTGACCAGCAAGTGGGTAGCT-3'
Protein context (NP_001821.2, residues 533-553): VSLVVIMFEL[Thr543=]GGLEYIVPLM

ClinVar aggregate classification (germline): Likely benign. Review status: criteria provided, multiple submitters, no conflicts (2 of 4 stars). 4 submissions from 4 submitters: Likely benign (4). Last evaluated 2026-04-27.

Allele frequency attached by ClinVar (database versions not stated): ExAC 0.00001; gnomAD exomes 0.00004 and 0.00005; TOPMed 0.00004; gnomAD 0.00007 and 0.00009.
gnomAD v4.1: 61 of 1,209,131 alleles (0.005%); highest among the groups gnomAD compares: Non-Finnish European, 0.0067%; no homozygotes.

Submissions (4):

Women's Health and Genetics/Laboratory Corporation of America, LabCorp
Classification: Likely benign. Last evaluated: 2026-04-27. Review status: criteria provided, single submitter. Criteria: LabCorp Variant Classification Summary - May 2015. Collection method: clinical testing. Allele origin: germline.

Labcorp Genetics (formerly Invitae), Labcorp
Classification: Likely benign. Last evaluated: 2025-12-01. Review status: criteria provided, single submitter. Criteria: Invitae Variant Classification Sherloc (09022015). Collection method: clinical testing. Allele origin: germline.

Blueprint Genetics
Classification: Likely benign. Last evaluated: 2024-01-23. Review status: criteria provided, single submitter. Criteria: ACMG Guidelines, 2015. Collection method: clinical testing. Allele origin: germline.

CeGaT Center for Human Genetics Tuebingen
Classification: Likely benign. Last evaluated: 2022-09-01. Review status: criteria provided, single submitter. Criteria: CeGaT Center For Human Genetics Tuebingen Variant Classification Criteria Version 2. Collection method: clinical testing. Allele origin: germline. Affected: yes. Observed: 1 variant allele.
Comment: CLCN4: BP4, BP7